The following is an entry in ClinVar:

ClinVar aggregate classification (germline): Uncertain significance (1 of 4 stars; one submission).

Allele frequency attached by ClinVar (database versions not stated): ExAC 0.00001; gnomAD 0.00001; gnomAD exomes 0.00001; TOPMed 0.00001.
gnomAD v4.1: 14 of 1,613,940 alleles (0.00087%); highest among the groups gnomAD compares: Non-Finnish European, 0.0012%; no homozygotes.

Submission:

Labcorp Genetics (formerly Invitae), Labcorp
Classification: Uncertain significance. Last evaluated: 2025-04-22. Review status: criteria provided, single submitter. Criteria: Invitae Variant Classification Sherloc (09022015). Collection method: clinical testing. Allele origin: germline.
Comment: This sequence change replaces glycine, which is neutral and non-polar, with aspartic acid, which is acidic and polar, at codon 1114 of the RP1 protein (p.Gly1114Asp). This variant is present in population databases (rs759707324, gnomAD 0.002%). This variant has not been reported in the literature in individuals affected with RP1-related conditions. ClinVar contains an entry for this variant (Variation ID: 1003914). An algorithm developed to predict the effect of missense changes on protein structure and function outputs the following: PolyPhen-2: "Benign". The aspartic acid amino acid residue is found in multiple mammalian species, which suggests that this missense change does not adversely affect protein function. In summary, the available evidence is currently insufficient to determine the role of this variant in disease. Therefore, it has been classified as a Variant of Uncertain Significance.

NM_006269.2(RP1):c.3341G>A (p.Gly1114Asp)

Gene: RP1 (RP1 axonemal microtubule associated; plus strand). Cytogenetic location: 8q12.1.
Variant type: single nucleotide variant.
Coding change: c.3341G>A on transcript NM_006269.2 (MANE Select); coding-DNA position 3341, G replaced by A.
Protein change: p.Gly1114Asp; replaces glycine 1114 with aspartic acid.
Molecular consequence: missense variant. On other transcripts: intron variant (1).
Genome position (GRCh38, 1-based): chr8:54,627,223, G>A. VCF-style: chr8-54627223-G-A. GRCh37 (hg19) VCF-style: chr8-55539783-G-A.
Other names: c.787+4935G>A (NM_001375654.1); short protein forms G1114D.
Identifiers: ClinVar variation 1003914 (VCV001003914.8), dbSNP rs759707324, ClinGen allele CA4751672.